The following is an entry in ClinVar:

NM_000388.4(CASR):c.971C>A (p.Ala324Asp)

Gene: CASR (calcium sensing receptor; plus strand). Cytogenetic location: 3q21.1.
Variant type: single nucleotide variant.
Coding change: c.971C>A on transcript NM_000388.4 (MANE Select); coding-DNA position 971, C replaced by A.
Protein change: p.Ala324Asp; replaces alanine 324 with aspartic acid.
Molecular consequence: missense variant.
Genome position (GRCh38, 1-based): chr3:122,262,006, C>A. VCF-style: chr3-122262006-C-A. GRCh37 (hg19) VCF-style: chr3-121980853-C-A.
Other names: c.971C>A (NM_000388.3); c.971C>A, p.Ala324Asp (NM_001178065.2); short protein forms A324D.
Identifiers: ClinVar variation 2415620 (VCV002415620.8), dbSNP rs2473227464, ClinGen allele CA354151871.

ClinVar aggregate classification (germline): Uncertain significance. Review status: criteria provided, multiple submitters, no conflicts (2 of 4 stars). 2 submissions from 2 submitters: Uncertain significance (2). Last evaluated 2024-09-03.

Conditions:
Familial hypocalciuric hypercalcemia (FHH). Also called: Familial benign hypercalcemia. Identifiers: Orphanet 405, MedGen C1809471, MONDO:0018458.
Autosomal dominant hypocalcemia 1 (HYPOC1). Also called: HYPOCALCEMIA, FAMILIAL. Identifiers: MedGen C3715128, MONDO:0011013, OMIM 601198.
Nephrolithiasis/nephrocalcinosis. Identifiers: MedGen CN580796.

Submissions (2):

Ambry Genetics
Classification: Uncertain significance for Nephrolithiasis/nephrocalcinosis. Last evaluated: 2024-09-03. Review status: criteria provided, single submitter. Criteria: Ambry Variant Classification Scheme 2023. Collection method: clinical testing. Allele origin: germline.
Comment: The p.A324D variant (also known as c.971C>A), located in coding exon 3 of the CASR gene, results from a C to A substitution at nucleotide position 971. The alanine at codon 324 is replaced by aspartic acid, an amino acid with dissimilar properties. This amino acid position is well conserved in available vertebrate species. In addition, this alteration is predicted to be deleterious by in silico analysis. Based on the available evidence, the clinical significance of this variant remains unclear.

Labcorp Genetics (formerly Invitae), Labcorp
Classification: Uncertain significance for Familial hypocalciuric hypercalcemia; Autosomal dominant hypocalcemia 1. Last evaluated: 2022-08-08. Review status: criteria provided, single submitter. Criteria: Invitae Variant Classification Sherloc (09022015). Collection method: clinical testing. Allele origin: germline.
Comment: This variant has not been reported in the literature in individuals affected with CASR-related conditions. Algorithms developed to predict the effect of missense changes on protein structure and function (SIFT, PolyPhen-2, Align-GVGD) all suggest that this variant is likely to be disruptive. In summary, the available evidence is currently insufficient to determine the role of this variant in disease. Therefore, it has been classified as a Variant of Uncertain Significance. This sequence change replaces alanine, which is neutral and non-polar, with aspartic acid, which is acidic and polar, at codon 324 of the CASR protein (p.Ala324Asp). This variant is not present in population databases (gnomAD no frequency).